The following is an entry in ClinVar:

ClinVar aggregate classification (germline): Uncertain significance. Review status: criteria provided, multiple submitters, no conflicts (2 of 4 stars). 3 submissions from 3 submitters: Uncertain significance (3). Last evaluated 2024-10-15.

Conditions:
Tuberous sclerosis 2 (TSC2). Identifiers: Orphanet 805, MedGen C1860707, MONDO:0013199, OMIM 613254.

Submissions (3):

Labcorp Genetics (formerly Invitae), Labcorp
Classification: Uncertain significance for Tuberous sclerosis 2. Last evaluated: 2024-10-15. Review status: criteria provided, single submitter. Criteria: Invitae Variant Classification Sherloc (09022015). Collection method: clinical testing. Allele origin: germline.
Comment: This sequence change replaces proline, which is neutral and non-polar, with arginine, which is basic and polar, at codon 1517 of the TSC2 protein (p.Pro1517Arg). This variant is not present in population databases (gnomAD no frequency). This variant has not been reported in the literature in individuals affected with TSC2-related conditions. ClinVar contains an entry for this variant (Variation ID: 803156). Invitae Evidence Modeling of protein sequence and biophysical properties (such as structural, functional, and spatial information, amino acid conservation, physicochemical variation, residue mobility, and thermodynamic stability) has been performed for this missense variant. However, the output from this modeling did not meet the statistical confidence thresholds required to predict the impact of this variant on TSC2 protein function. In summary, the available evidence is currently insufficient to determine the role of this variant in disease. Therefore, it has been classified as a Variant of Uncertain Significance.

GeneDx
Classification: Uncertain significance. Last evaluated: 2023-01-17. Review status: criteria provided, single submitter. Criteria: GeneDx Variant Classification Process June 2021. Collection method: clinical testing. Allele origin: germline. Affected: yes.
Comment: Not observed at significant frequency in large population cohorts (gnomAD); In silico analysis supports that this missense variant has a deleterious effect on protein structure/function; Has not been previously published as pathogenic or benign to our knowledge

Mendelics
Classification: Uncertain significance for Tuberous sclerosis 2. Last evaluated: 2019-05-28. Review status: criteria provided, single submitter. Criteria: Mendelics Assertion Criteria 2017. Collection method: clinical testing. Allele origin: unknown.

NM_000548.5(TSC2):c.4550C>G (p.Pro1517Arg)

Gene: TSC2 (TSC complex subunit 2; plus strand). Cytogenetic location: 16p13.3.
Variant type: single nucleotide variant.
Coding change: c.4550C>G on transcript NM_000548.5 (MANE Select); coding-DNA position 4550, C replaced by G.
Protein change: p.Pro1517Arg; replaces proline 1517 with arginine.
Molecular consequence: missense variant.
Genome position (GRCh38, 1-based): chr16:2,085,007, C>G. VCF-style: chr16-2085007-C-G. GRCh37 (hg19) VCF-style: chr16-2135008-C-G.
Other names: c.4550C>G (NM_000548.3); c.4349C>G, p.Pro1450Arg (NM_001077183.3); c.4481C>G, p.Pro1494Arg (NM_001114382.3); c.4241C>G, p.Pro1414Arg (NM_001318827.2); c.4205C>G, p.Pro1402Arg (NM_001318829.2); c.3818C>G, p.Pro1273Arg (NM_001318831.2); c.4382C>G, p.Pro1461Arg (NM_001318832.2); c.4352C>G, p.Pro1451Arg (NM_001363528.2); and 2 more; short protein forms P1450R, P1451R, P1474R, P1494R, P1273R, P1402R, P1473R, P1517R.
Identifiers: ClinVar variation 803156 (VCV000803156.4), dbSNP rs1279603512, ClinGen allele CA394303001.
Genomic context (GRCh38, chr16:2,085,007, plus strand): 5'-GCAGTTTCGTGTTCCTGCAGCTCTACCATTCCCCCTTCTTTGGCGACGAGTCAAACAAGC[C>G]AATCCTGCTGCCCAATGAGGTAGGCGTGGCCTCCCTCTCCTGCATCCGCTGGAGCTGTGT-3'
Protein context (NP_000539.2, residues 1507-1527): SPFFGDESNK[Pro1517Arg]ILLPNESQSF